The following is an entry in ClinVar:

NM_001040108.2(MLH3):c.3379+4A>G

Gene: MLH3 (mutL homolog 3; minus strand). Cytogenetic location: 14q24.3.
Variant type: single nucleotide variant.
Coding change: c.3379+4A>G on transcript NM_001040108.2 (MANE Select); 4 bases into the intron after coding-DNA position 3379, A replaced by G.
Molecular consequence: intron variant.
Genome position (GRCh38, 1-based): chr14:75,042,375, T>C on the plus strand (A>G on the coding strand, the complement: MLH3 is on the minus strand). VCF-style: chr14-75042375-T-C. GRCh37 (hg19) VCF-style: chr14-75509078-T-C.
Other names: c.3379+4A>G (NM_001040108.1, NM_014381.3).
Identifiers: ClinVar variation 2053429 (VCV002053429.6), dbSNP rs1309915500, ClinGen allele CA615059234.

ClinVar aggregate classification (germline): Uncertain significance. Review status: criteria provided, multiple submitters, no conflicts (2 of 4 stars). 2 submissions from 2 submitters: Uncertain significance (2). Last evaluated 2026-08-12.

Conditions:
Colorectal cancer, hereditary nonpolyposis, type 7. Identifiers: Orphanet 144, MedGen C1858380, MONDO:0013725, OMIM 614385.

Allele frequency attached by ClinVar (database versions not stated): TOPMed 0.00001.
gnomAD v4.1: 2 of 1,613,380 alleles (0.00012%); highest among the groups gnomAD compares: Non-Finnish European, 0.00017%; no homozygotes.

Submissions (2):

Ambry Genetics
Classification: Uncertain significance. Last evaluated: 2026-08-12. Review status: criteria provided, single submitter. Criteria: Ambry Variant Classification Scheme 2023. Collection method: clinical testing. Allele origin: germline.
Comment: The c.3379+4A>G intronic variant results from an A to G substitution 4 nucleotides after coding exon 2 in the MLH3 gene. This nucleotide position is well conserved in available vertebrate species. In silico splice site analysis predicts that this alteration will weaken the native splice donor site; however, direct evidence is insufficient at this time (Ambry internal data). Based on the available evidence, the clinical significance of this variant remains unclear.

Labcorp Genetics (formerly Invitae), Labcorp
Classification: Uncertain significance for Colorectal cancer, hereditary nonpolyposis, type 7. Last evaluated: 2024-06-03. Review status: criteria provided, single submitter. Criteria: Invitae Variant Classification Sherloc (09022015). Collection method: clinical testing. Allele origin: germline.
Comment: This sequence change falls in intron 3 of the MLH3 gene. It does not directly change the encoded amino acid sequence of the MLH3 protein. It affects a nucleotide within the consensus splice site. This variant is present in population databases (no rsID available, gnomAD 0.0009%). This variant has not been reported in the literature in individuals affected with MLH3-related conditions. ClinVar contains an entry for this variant (Variation ID: 2053429). Variants that disrupt the consensus splice site are a relatively common cause of aberrant splicing (PMID: 17576681, 9536098). Algorithms developed to predict the effect of sequence changes on RNA splicing suggest that this variant may disrupt the consensus splice site. In summary, the available evidence is currently insufficient to determine the role of this variant in disease. Therefore, it has been classified as a Variant of Uncertain Significance.

Literature cited by the submitters: PubMed 17576681 (cited by Labcorp Genetics (formerly Invitae), Labcorp); PubMed 9536098 (cited by Labcorp Genetics (formerly Invitae), Labcorp).